The following is an entry in ClinVar:

ClinVar aggregate classification (germline): Pathogenic (1 of 4 stars; one submission).

Submission:

Labcorp Genetics (formerly Invitae), Labcorp
Classification: Pathogenic. Last evaluated: 2023-07-08. Review status: criteria provided, single submitter. Criteria: Invitae Variant Classification Sherloc (09022015). Collection method: clinical testing. Allele origin: germline.
Comment: For these reasons, this variant has been classified as Pathogenic. ClinVar contains an entry for this variant (Variation ID: 2135955). This variant has not been reported in the literature in individuals affected with LRP2-related conditions. This variant is not present in population databases (gnomAD no frequency). This sequence change creates a premature translational stop signal (p.Trp3337*) in the LRP2 gene. It is expected to result in an absent or disrupted protein product. Loss-of-function variants in LRP2 are known to be pathogenic (PMID: 17632512, 25682901).

Literature cited by the submitters: PubMed 17632512; PubMed 25682901.

NM_004525.3(LRP2):c.10010G>A (p.Trp3337Ter)

Gene: LRP2 (LDL receptor related protein 2; minus strand). Cytogenetic location: 2q31.1.
Variant type: single nucleotide variant.
Coding change: c.10010G>A on transcript NM_004525.3 (MANE Select); coding-DNA position 10010, G replaced by A.
Protein change: p.Trp3337Ter; replaces tryptophan 3337 with a stop codon.
Molecular consequence: nonsense.
Genome position (GRCh38, 1-based): chr2:169,181,607, C>T on the plus strand (G>A on the coding strand, the complement: LRP2 is on the minus strand). VCF-style: chr2-169181607-C-T. GRCh37 (hg19) VCF-style: chr2-170038117-C-T.
Other names: short protein forms W3337*.
Identifiers: ClinVar variation 2135955 (VCV002135955.4), dbSNP rs2545746006, ClinGen allele CA349151435.